The following is an entry in ClinVar:

ClinVar aggregate classification (germline): Likely benign. Review status: criteria provided, multiple submitters, no conflicts (2 of 4 stars). 4 submissions from 4 submitters: Likely benign (4). Last evaluated 2025-12-19.

Conditions:
Spermatogenic failure 18. Identifiers: MedGen C4539783, MONDO:0054615, OMIM 617576.
Ciliary dyskinesia, primary, 37 (CILD37). Also called: CILIARY DYSKINESIA, PRIMARY, 37, WITH OR WITHOUT SITUS INVERSUS. Identifiers: MedGen C4539798, MONDO:0033204, OMIM 617577.
DNAH1-related disorder. Also called: DNAH1-related condition.

Allele frequency attached by ClinVar (database versions not stated): gnomAD exomes 0.00015 and 0.00040; 1000 Genomes Project 0.00060; ExAC 0.00068; 1000 Genomes Project 30x 0.00078; ESP Exome Variant Server 0.00199; gnomAD 0.00123 and 0.00138; TOPMed 0.00165.
gnomAD v4.1: 423 of 1,608,116 alleles (0.026%); highest among the groups gnomAD compares: African/African-American, 0.49%; 4 homozygotes.

Submissions (4):

Labcorp Genetics (formerly Invitae), Labcorp
Classification: Likely benign for Ciliary dyskinesia, primary, 37; Spermatogenic failure 18. Last evaluated: 2025-12-19. Review status: criteria provided, single submitter. Criteria: Invitae Variant Classification Sherloc (09022015). Collection method: clinical testing. Allele origin: germline.

PreventionGenetics, part of Exact Sciences
Classification: Likely benign for DNAH1-related condition. Last evaluated: 2024-12-03. Review status: criteria provided, single submitter. Criteria: ACMG Guidelines, 2015. Collection method: clinical testing. Allele origin: germline.
Comment: This variant is classified as likely benign based on ACMG/AMP sequence variant interpretation guidelines (Richards et al. 2015 PMID: 25741868, with internal and published modifications).

Genomic Medicine Center of Excellence, King Faisal Specialist Hospital and Research Centre
Classification: Likely benign for Spermatogenic failure 18. Last evaluated: 2024-09-22. Review status: criteria provided, single submitter. Criteria: ACMG Guidelines, 2015. Collection method: clinical testing. Allele origin: germline.

Breakthrough Genomics
Classification: Likely benign. Review status: criteria provided, single submitter. Criteria: ACMG Guidelines, 2015. Collection method: not provided. Allele origin: germline. Inheritance: Autosomal recessive inheritance. Affected: yes.

NM_015512.5(DNAH1):c.6460A>G (p.Arg2154Gly)

Gene: DNAH1 (dynein axonemal heavy chain 1; plus strand). Cytogenetic location: 3p21.1.
Variant type: single nucleotide variant.
Coding change: c.6460A>G on transcript NM_015512.5 (MANE Select); coding-DNA position 6460, A replaced by G.
Protein change: p.Arg2154Gly; replaces arginine 2154 with glycine.
Molecular consequence: missense variant.
Genome position (GRCh38, 1-based): chr3:52,370,760, A>G. VCF-style: chr3-52370760-A-G. GRCh37 (hg19) VCF-style: chr3-52404776-A-G.
Other names: short protein forms R2154G.
Identifiers: ClinVar variation 478479 (VCV000478479.14), dbSNP rs146002323, ClinGen allele CA2434525.
Genomic context (GRCh38, chr3:52,370,760, plus strand): 5'-CCTCCTGGTTCCCGGCAGCTGACTCTGCTTTTCCCAGAAGAGGGGCTGGTGTTCGATTAC[A>G]GGCTGGAGGACGCGGGCATCAGTGGCACCAACGACAGTGAGGATGAAGAGGAGGAATACA-3'
Protein context (NP_056327.4, residues 2144-2164): FPEEGLVFDY[Arg2154Gly]LEDAGISGTN